The following is an entry in ClinVar:

ClinVar aggregate classification (germline): Uncertain significance (1 of 4 stars; one submission).

Conditions:
Hereditary cancer-predisposing syndrome. Also called: Neoplastic Syndromes, Hereditary; Tumor predisposition; Hereditary Cancer Syndrome; Hereditary neoplastic syndrome. Identifiers: Orphanet 140162, MedGen C0027672, MeSH D009386, MONDO:0015356.

Submission:

Ambry Genetics
Classification: Uncertain significance for Hereditary cancer-predisposing syndrome. Last evaluated: 2022-06-16. Review status: criteria provided, single submitter. Criteria: Ambry Variant Classification Scheme 2023. Collection method: clinical testing. Allele origin: germline.
Comment: The p.S256C variant (also known as c.766A>T), located in coding exon 4 of the MSH6 gene, results from an A to T substitution at nucleotide position 766. The serine at codon 256 is replaced by cysteine, an amino acid with dissimilar properties. This amino acid position is conserved. In addition, this alteration is predicted to be deleterious by in silico analysis. Since supporting evidence is limited at this time, the clinical significance of this alteration remains unclear.

NM_000179.3(MSH6):c.766A>T (p.Ser256Cys)

Gene: MSH6 (mutS homolog 6; plus strand). Cytogenetic location: 2p16.3.
Variant type: single nucleotide variant.
Coding change: c.766A>T on transcript NM_000179.3 (MANE Select); coding-DNA position 766, A replaced by T.
Protein change: p.Ser256Cys; replaces serine 256 with cysteine.
Molecular consequence: missense variant. On other transcripts: 5 prime UTR variant (2).
Genome position (GRCh38, 1-based): chr2:47,798,749, A>T. VCF-style: chr2-47798749-A-T. GRCh37 (hg19) VCF-style: chr2-48025888-A-T.
Other names: c.376A>T, p.Ser126Cys (NM_001281492.2); c.-141A>T (NM_001281493.2, NM_001281494.2, NM_001406811.1 and 6 more transcripts); c.862A>T, p.Ser288Cys (NM_001406795.1, NM_001406802.1); c.766A>T, p.Ser256Cys (NM_001406796.1, NM_001406798.1, NM_001406800.1 and 4 more transcripts); c.469A>T, p.Ser157Cys (NM_001406797.1, NM_001406801.1, NM_001406805.1 and 10 more transcripts); c.241A>T, p.Ser81Cys (NM_001406799.1, NM_001406806.1, NM_001406807.1); c.688A>T, p.Ser230Cys (NM_001406804.1); c.772A>T, p.Ser258Cys (NM_001406813.1); and 1 more; short protein forms S256C, S258C, S157C, S230C, S126C, S200C, S288C, S81C.
Identifiers: ClinVar variation 1760056 (VCV001760056.2), dbSNP rs2530570413, ClinGen allele CA346740188.
Genomic context (GRCh38, chr2:47,798,749, plus strand): 5'-CAAGGATCTAGGCGAAGTAGCCGCCAAATAAAAAAACGAAGGGTCATATCAGATTCTGAG[A>T]GTGACATTGGTGGCTCTGATGTGGAATTTAAGCCAGACACTAAGGAGGAAGGAAGCAGTG-3'
Protein context (NP_000170.1, residues 246-266): KKRRVISDSE[Ser256Cys]DIGGSDVEFK